The following is an entry in ClinVar:

ClinVar aggregate classification (germline): Uncertain significance. Review status: criteria provided, multiple submitters, no conflicts (2 of 4 stars). 6 submissions from 6 submitters: Uncertain significance (5). 1 of the submissions does not count toward it. Last evaluated 2025-12-15.

Conditions:
ALK-related disorder. Also called: ALK-related condition.
Hereditary cancer-predisposing syndrome. Also called: Tumor predisposition; Neoplastic Syndromes, Hereditary; Hereditary Cancer Syndrome; Hereditary neoplastic syndrome. Identifiers: Orphanet 140162, MedGen C0027672, MeSH D009386, MONDO:0015356.
Neuroblastoma, susceptibility to, 3. Also called: ALK-Related Neuroblastic Tumor Susceptibility. Identifiers: Orphanet 635, MedGen C2751681, MONDO:0013083, OMIM 613014.

Allele frequency attached by ClinVar (database versions not stated): TOPMed below 0.00001; gnomAD exomes 0.00002 and 0.00010; ExAC 0.00003; gnomAD 0.00003 and 0.00004.

Submissions (6):

Labcorp Genetics (formerly Invitae), Labcorp
Classification: Uncertain significance for Neuroblastoma, susceptibility to, 3. Last evaluated: 2025-12-15. Review status: criteria provided, single submitter. Criteria: Invitae Variant Classification Sherloc (09022015). Collection method: clinical testing. Allele origin: germline.
Comment: This sequence change replaces phenylalanine, which is neutral and non-polar, with serine, which is neutral and polar, at codon 168 of the ALK protein (p.Phe168Ser). This variant is present in population databases (rs755498584, gnomAD 0.004%). This variant has not been reported in the literature in individuals affected with ALK-related conditions. ClinVar contains an entry for this variant (Variation ID: 404315). An algorithm developed to predict the effect of missense changes on protein structure and function (PolyPhen-2) suggests that this variant is likely to be disruptive. In summary, the available evidence is currently insufficient to determine the role of this variant in disease. Therefore, it has been classified as a Variant of Uncertain Significance.

Ambry Genetics
Classification: Uncertain significance for Hereditary cancer-predisposing syndrome. Last evaluated: 2024-02-22. Review status: criteria provided, single submitter. Criteria: Ambry Variant Classification Scheme 2023. Collection method: clinical testing. Allele origin: germline.
Comment: The p.F168S variant (also known as c.503T>C), located in coding exon 1 of the ALK gene, results from a T to C substitution at nucleotide position 503. The phenylalanine at codon 168 is replaced by serine, an amino acid with highly dissimilar properties. This amino acid position is conserved. In addition, this alteration is predicted to be deleterious by in silico analysis. Since supporting evidence is limited at this time, the clinical significance of this alteration remains unclear.

GeneDx
Classification: Uncertain significance. Last evaluated: 2023-10-30. Review status: criteria provided, single submitter. Criteria: GeneDx Variant Classification Process June 2021. Collection method: clinical testing. Allele origin: germline. Affected: yes.
Comment: Not observed at significant frequency in large population cohorts (gnomAD); In silico analysis supports that this missense variant does not alter protein structure/function; Has not been previously published as pathogenic or benign to our knowledge

Baylor Genetics
Classification: Uncertain significance for Neuroblastoma, susceptibility to, 3. Last evaluated: 2023-10-24. Review status: criteria provided, single submitter. Criteria: ACMG Guidelines, 2015. Collection method: clinical testing. Allele origin: unknown.

Fulgent Genetics
Classification: Uncertain significance for Neuroblastoma, susceptibility to, 3. Last evaluated: 2018-10-31. Review status: criteria provided, single submitter. Criteria: ACMG Guidelines, 2015. Collection method: clinical testing. Allele origin: unknown.

PreventionGenetics, part of Exact Sciences
Classification: Uncertain significance for ALK-related condition. Last evaluated: 2024-04-08. Review status: no assertion criteria provided. Collection method: clinical testing. Allele origin: germline. Not counted in ClinVar's aggregate classification.
Comment: The ALK c.503T>C variant is predicted to result in the amino acid substitution p.Phe168Ser. To our knowledge, this variant has not been reported in the literature. This variant is reported in 0.0039% of alleles in individuals of European (Non-Finnish) descent in gnomAD and has been interpreted as a variant of uncertain significance in ClinVar. At this time, the clinical significance of this variant is uncertain due to the absence of conclusive functional and genetic evidence.

NM_004304.5(ALK):c.503T>C (p.Phe168Ser)

Gene: ALK (ALK receptor tyrosine kinase; minus strand). Cytogenetic location: 2p23.1.
Variant type: single nucleotide variant.
Coding change: c.503T>C on transcript NM_004304.5 (MANE Select); coding-DNA position 503, T replaced by C.
Protein change: p.Phe168Ser; replaces phenylalanine 168 with serine.
Molecular consequence: missense variant.
Genome position (GRCh38, 1-based): chr2:29,920,157, A>G on the plus strand (T>C on the coding strand, the complement: ALK is on the minus strand). VCF-style: chr2-29920157-A-G. GRCh37 (hg19) VCF-style: chr2-30143023-A-G.
Other names: short protein forms F168S.
Identifiers: ClinVar variation 404315 (VCV000404315.15), dbSNP rs755498584, ClinGen allele CA1594952.